The following is an entry in ClinVar:

ClinVar aggregate classification (germline): Uncertain significance. Review status: criteria provided, multiple submitters, no conflicts (2 of 4 stars). 3 submissions from 3 submitters: Uncertain significance (3). Last evaluated 2024-06-25.

Conditions:
Pituitary adenoma 5, multiple types. Identifiers: MedGen C4539685, MONDO:0054601, OMIM 617540.

gnomAD v4.1: 6 of 1,551,544 alleles (0.00039%); highest among the groups gnomAD compares: Admixed American, 0.0059%; no homozygotes.

Submissions (3):

GeneDx
Classification: Uncertain significance. Last evaluated: 2024-06-25. Review status: criteria provided, single submitter. Criteria: GeneDx Variant Classification Process June 2021. Collection method: clinical testing. Allele origin: germline. Affected: yes.
Comment: Nonsense variant predicted to result in protein truncation as the last 124 amino acids are lost, although loss-of-function variants have not been reported downstream of this position in the protein; Has not been previously published as pathogenic or benign to our knowledge

Baylor Genetics
Classification: Uncertain significance for Pituitary adenoma 5, multiple types. Last evaluated: 2024-02-05. Review status: criteria provided, single submitter. Criteria: ACMG Guidelines, 2015. Collection method: clinical testing. Allele origin: unknown.

Labcorp Genetics (formerly Invitae), Labcorp
Classification: Uncertain significance. Last evaluated: 2022-08-23. Review status: criteria provided, single submitter. Criteria: Invitae Variant Classification Sherloc (09022015). Collection method: clinical testing. Allele origin: germline.
Comment: This sequence change creates a premature translational stop signal (p.Gln3231*) in the CDH23 gene. While this is not anticipated to result in nonsense mediated decay, it is expected to disrupt the last 124 amino acid(s) of the CDH23 protein. This variant is present in population databases (no rsID available, gnomAD 0.01%). This variant has not been reported in the literature in individuals affected with CDH23-related conditions. ClinVar contains an entry for this variant (Variation ID: 1374107). Experimental studies and prediction algorithms are not available or were not evaluated, and the functional significance of this variant is currently unknown. In summary, the available evidence is currently insufficient to determine the role of this variant in disease. Therefore, it has been classified as a Variant of Uncertain Significance.

NM_022124.6(CDH23):c.9691C>T (p.Gln3231Ter)

Gene: CDH23 (cadherin related 23; plus strand). Cytogenetic location: 10q22.1.
Variant type: single nucleotide variant.
Coding change: c.9691C>T on transcript NM_022124.6 (MANE Select); coding-DNA position 9691, C replaced by T.
Protein change: p.Gln3231Ter; replaces glutamine 3231 with a stop codon.
Molecular consequence: nonsense. On other transcripts: intron variant (2).
Genome position (GRCh38, 1-based): chr10:71,813,301, C>T. VCF-style: chr10-71813301-C-T. GRCh37 (hg19) VCF-style: chr10-73573058-C-T.
Other names: c.2971C>T, p.Gln991Ter (NM_001171933.1); c.382C>T, p.Gln128Ter (NM_001171935.1); c.2913+411C>T (NM_001171934.1); c.324+411C>T (NM_001171936.1); short protein forms Q128*, Q991*, Q3231*.
Identifiers: ClinVar variation 1374107 (VCV001374107.4), dbSNP rs1332428012, ClinGen allele CA377137322.